The following is an entry in ClinVar:

NM_000179.3(MSH6):c.1606A>G (p.Ser536Gly)

Gene: MSH6 (mutS homolog 6; plus strand). Cytogenetic location: 2p16.3.
Variant type: single nucleotide variant.
Coding change: c.1606A>G on transcript NM_000179.3 (MANE Select); coding-DNA position 1606, A replaced by G.
Protein change: p.Ser536Gly; replaces serine 536 with glycine.
Molecular consequence: missense variant.
Genome position (GRCh38, 1-based): chr2:47,799,589, A>G. VCF-style: chr2-47799589-A-G. GRCh37 (hg19) VCF-style: chr2-48026728-A-G.
Other names: c.1216A>G, p.Ser406Gly (NM_001281492.2); c.700A>G, p.Ser234Gly (NM_001281493.2, NM_001281494.2); short protein forms S536G, S406G, S234G.
Identifiers: ClinVar variation 579333 (VCV000579333.14), dbSNP rs765983691, ClinGen allele CA067909.

ClinVar aggregate classification (germline): Uncertain significance. Review status: criteria provided, multiple submitters, no conflicts (2 of 4 stars). 3 submissions from 3 submitters: Uncertain significance (3). Last evaluated 2025-10-07.

Conditions:
Endometrial carcinoma. Also called: Endometrial carcinoma, somatic. Identifiers: MedGen C0476089, MONDO:0002447, OMIM 608089, HP:0012114.
Hereditary nonpolyposis colorectal neoplasms. Identifiers: MedGen C0009405, MeSH D003123.
Hereditary cancer-predisposing syndrome. Also called: Neoplastic Syndromes, Hereditary; Tumor predisposition; Hereditary neoplastic syndrome; Hereditary Cancer Syndrome. Identifiers: Orphanet 140162, MedGen C0027672, MeSH D009386, MONDO:0015356.

Allele frequency attached by ClinVar (database versions not stated): gnomAD exomes below 0.00001; ExAC 0.00001.
gnomAD v4.1: 7 of 1,614,234 alleles (0.00043%); highest among the groups gnomAD compares: Non-Finnish European, 0.00051%; no homozygotes.

Submissions (3):

Labcorp Genetics (formerly Invitae), Labcorp
Classification: Uncertain significance for Hereditary nonpolyposis colorectal neoplasms. Last evaluated: 2025-10-07. Review status: criteria provided, single submitter. Criteria: Invitae Variant Classification Sherloc (09022015). Collection method: clinical testing. Allele origin: germline.
Comment: This sequence change replaces serine, which is neutral and polar, with glycine, which is neutral and non-polar, at codon 536 of the MSH6 protein (p.Ser536Gly). This variant is not present in population databases (gnomAD no frequency). This variant has not been reported in the literature in individuals affected with MSH6-related conditions. ClinVar contains an entry for this variant (Variation ID: 579333). Invitae Evidence Modeling of protein sequence and biophysical properties (such as structural, functional, and spatial information, amino acid conservation, physicochemical variation, residue mobility, and thermodynamic stability) indicates that this missense variant is not expected to disrupt MSH6 protein function with a negative predictive value of 95%. In summary, the available evidence is currently insufficient to determine the role of this variant in disease. Therefore, it has been classified as a Variant of Uncertain Significance.

Ambry Genetics
Classification: Uncertain significance for Hereditary cancer-predisposing syndrome. Last evaluated: 2025-03-01. Review status: criteria provided, single submitter. Criteria: Ambry Variant Classification Scheme 2023. Collection method: clinical testing. Allele origin: germline.
Comment: The p.S536G variant (also known as c.1606A>G), located in coding exon 4 of the MSH6 gene, results from an A to G substitution at nucleotide position 1606. The serine at codon 536 is replaced by glycine, an amino acid with similar properties. This amino acid position is not well conserved in available vertebrate species. In addition, the in silico prediction for this alteration is inconclusive. Since supporting evidence is limited at this time, the clinical significance of this alteration remains unclear.

Baylor Genetics
Classification: Uncertain significance for Endometrial carcinoma. Last evaluated: 2023-07-28. Review status: criteria provided, single submitter. Criteria: ACMG Guidelines, 2015. Collection method: clinical testing. Allele origin: unknown.